The following is an entry in ClinVar:

ClinVar aggregate classification (germline): Likely benign (0 of 4 stars; one submission).

Conditions:
ESRP1-related disorder. Also called: ESRP1-related condition.

Allele frequency attached by ClinVar (database versions not stated): ExAC 0.00013; 1000 Genomes Project 0.00020; gnomAD exomes 0.00021; 1000 Genomes Project 30x 0.00031; ESP Exome Variant Server 0.00042.
gnomAD v4.1: 364 of 1,613,866 alleles (0.023%); highest among the groups gnomAD compares: African/African-American, 0.13%; no homozygotes.

Submission:

PreventionGenetics, part of Exact Sciences
Classification: Likely benign for ESRP1-related condition. Last evaluated: 2019-04-09. Review status: no assertion criteria provided. Collection method: clinical testing. Allele origin: germline.
Comment: This variant is classified as likely benign based on ACMG/AMP sequence variant interpretation guidelines (Richards et al. 2015 PMID: 25741868, with internal and published modifications).

NM_017697.4(ESRP1):c.1494G>A (p.Ala498=)

Gene: ESRP1 (epithelial splicing regulatory protein 1; plus strand). Cytogenetic location: 8q22.1.
Variant type: single nucleotide variant.
Coding change: c.1494G>A on transcript NM_017697.4 (MANE Select); coding-DNA position 1494, G replaced by A.
Protein change: p.Ala498=; no amino-acid change (alanine 498 retained).
Molecular consequence: synonymous variant.
Genome position (GRCh38, 1-based): chr8:94,674,349, G>A. VCF-style: chr8-94674349-G-A. GRCh37 (hg19) VCF-style: chr8-95686577-G-A.
Other names: c.1494G>A, p.Ala498= (NM_001034915.3, NM_001122825.2, NM_001122826.2 and 1 more transcripts).
Identifiers: ClinVar variation 3039211 (VCV003039211.2), dbSNP rs77843571, ClinGen allele CA4812274.